The following is an entry in ClinVar:

ClinVar aggregate classification (germline): Conflicting classifications of pathogenicity. Review status: criteria provided, conflicting classifications (1 of 4 stars). 8 submissions from 8 submitters: Uncertain significance (2); Benign (1); Likely benign (4). 1 of the submissions does not count toward it. Last evaluated 2025-12-16.

Conditions:
Cardiovascular phenotype. Identifiers: MedGen CN230736.
Spinocerebellar ataxia type 19/22 (SCA19). Also called: SPINOCEREBELLAR ATAXIA 19; SPINOCEREBELLAR ATAXIA 22. Identifiers: Orphanet 98772, MedGen C1846367, MONDO:0011819, OMIM 607346.
KCND3-related disorder. Also called: KCND3-related condition.

Allele frequency attached by ClinVar (database versions not stated): 1000 Genomes Project 30x 0.00031; 1000 Genomes Project 0.00040; gnomAD exomes 0.00061 and 0.00109; TOPMed 0.00074; gnomAD 0.00075 and 0.00077; ESP Exome Variant Server 0.00085; ExAC 0.00146.
gnomAD v4.1: 1,671 of 1,584,728 alleles (0.11%); highest among the groups gnomAD compares: Non-Finnish European, 0.13%; 2 homozygotes.

Submissions (8):

Labcorp Genetics (formerly Invitae), Labcorp
Classification: Likely benign for Spinocerebellar ataxia type 19/22. Last evaluated: 2025-12-16. Review status: criteria provided, single submitter. Criteria: Invitae Variant Classification Sherloc (09022015). Collection method: clinical testing. Allele origin: germline.

Blueprint Genetics
Classification: Likely benign. Last evaluated: 2024-10-24. Review status: criteria provided, single submitter. Criteria: ACMG Guidelines, 2015. Collection method: clinical testing. Allele origin: germline.

Athena Diagnostics
Classification: Benign. Last evaluated: 2024-06-05. Review status: criteria provided, single submitter. Criteria: Athena Diagnostics Criteria. Collection method: clinical testing. Allele origin: unknown.

CeGaT Center for Human Genetics Tuebingen
Classification: Likely benign. Last evaluated: 2024-01-01. Review status: criteria provided, single submitter. Criteria: CeGaT Center For Human Genetics Tuebingen Variant Classification Criteria Version 2. Collection method: clinical testing. Allele origin: germline. Affected: yes. Observed: 2 variant alleles.
Comment: KCND3: PP3, BS1

Ambry Genetics
Classification: Likely benign for Cardiovascular phenotype. Last evaluated: 2019-02-16. Review status: criteria provided, single submitter. Criteria: Ambry Variant Classification Scheme 2023. Collection method: clinical testing. Allele origin: germline.

GeneDx
Classification: Uncertain significance. Last evaluated: 2016-12-22. Review status: criteria provided, single submitter. Criteria: GeneDx Variant Classification (06012015). Collection method: clinical testing. Allele origin: germline. Affected: yes.
Comment: A variant of uncertain significance has been identified in the KCND3 gene. The T486A variant in the KCND3 has been observed in 2 unrelated individuals with early-onset atrial fibrillation and was absent from 432 control individuals (Olesen et al., 2013). Nevertheless, Giudicessi et al. (2011) observed the T486A variant in 1 ostensibly healthy control individual, and the Exome Aggregation Consortium (ExAC) data set reported T486A was observed in 44/16148 (0.27%) alleles from individuals of European background, indicating it may be a rare (benign) variant in this population. The T486A variant is a non-conservative amino acid substitution, which is likely to impact secondary protein structure as these residues differ in polarity, charge, size and/or other properties. Additionally, this substitution occurs at a position that is conserved across species, and in silico analysis predicts this variant is probably damaging to the protein structure/function.

Stanford Center for Inherited Cardiovascular Disease, Stanford University
Classification: Uncertain significance. Last evaluated: 2016-07-07. Review status: criteria provided, single submitter. Criteria: ACMG Guidelines, 2015. Collection method: provider interpretation. Allele origin: germline.

PreventionGenetics, part of Exact Sciences
Classification: Likely benign for KCND3-related condition. Last evaluated: 2023-03-20. Review status: no assertion criteria provided. Collection method: clinical testing. Allele origin: germline. Not counted in ClinVar's aggregate classification.
Comment: This variant is classified as likely benign based on ACMG/AMP sequence variant interpretation guidelines (Richards et al. 2015 PMID: 25741868, with internal and published modifications).

Literature cited by the submitters: PubMed 28362824 (cited by Athena Diagnostics and Ambry Genetics); PubMed 21349352 (cited by Athena Diagnostics and Ambry Genetics); PubMed 23400760 (cited by Athena Diagnostics and Ambry Genetics).

NM_001378969.1(KCND3):c.1456A>G (p.Thr486Ala)

Gene: KCND3 (potassium voltage-gated channel subfamily D member 3; minus strand). Cytogenetic location: 1p13.2.
Variant type: single nucleotide variant.
Coding change: c.1456A>G on transcript NM_001378969.1 (MANE Select); coding-DNA position 1456, A replaced by G.
Protein change: p.Thr486Ala; replaces threonine 486 with alanine.
Molecular consequence: missense variant.
Genome position (GRCh38, 1-based): chr1:111,780,230, T>C on the plus strand (A>G on the coding strand, the complement: KCND3 is on the minus strand). VCF-style: chr1-111780230-T-C. GRCh37 (hg19) VCF-style: chr1-112322852-T-C.
Other names: c.1456A>G, p.Thr486Ala (NM_001378970.1, NM_004980.5, NM_172198.3); short protein forms T486A.
Identifiers: ClinVar variation 415286 (VCV000415286.44), dbSNP rs149008060, ClinGen allele CA1007433.